The following is an entry in ClinVar:

ClinVar aggregate classification (germline): Pathogenic (1 of 4 stars; one submission).

Submission:

ISCA Site 6
Classification: Pathogenic. Last evaluated: 2011-08-12. Review status: criteria provided, single submitter. Criteria: Kaminsky et al. (Genet Med. 2011). Collection method: clinical testing. Allele origin: maternal. Affected: yes. Observed: 1 variant allele.
Comment: Copy number variation identified through the course of routine clinical cytogenomic testing in postnatal populations. Clinical assertions have been curated as described in Kaminsky et al. 2011.

GRCh38/hg38 1q21.1-21.2(chr1:147029419-148342687)x1

Genes: ACP6 (acid phosphatase 6, lysophosphatidic; minus strand), BCL9 (BCL9 transcription coactivator; plus strand), CHD1L (chromodomain helicase DNA binding protein 1 like; plus strand), FMO5 (flavin containing dimethylaniline monoxygenase 5; minus strand), LINC02806 (long independently transcribed non-coding RNA 2806; plus strand) and 47 more. Cytogenetic location: 1q21.1-21.2.
Variant type: copy number loss.
Change: copy number 1 (one copy instead of two) of chr1:147,029,419-148,342,687 (1.31 Mb, GRCh38 coordinates, 1-based), cytogenetic band 1q21.1-21.2.
Identifiers: ClinVar variation 58534 (VCV000058534.2).